The following is an entry in ClinVar:

ClinVar aggregate classification (germline): Uncertain significance (1 of 4 stars; one submission).

Submission:

GeneDx
Classification: Uncertain significance. Last evaluated: 2025-04-29. Review status: criteria provided, single submitter. Criteria: GeneDx Variant Classification Process June 2021. Collection method: clinical testing. Allele origin: germline. Affected: yes.
Comment: Not observed at significant frequency in large population cohorts (gnomAD); In silico analysis supports a deleterious effect on splicing; Has not been previously published as pathogenic or benign to our knowledge

NM_001242896.3(DEPDC5):c.1217+5G>A

Gene: DEPDC5 (DEP domain containing 5, GATOR1 subcomplex subunit; plus strand). Cytogenetic location: 22q12.3.
Variant type: single nucleotide variant.
Coding change: c.1217+5G>A on transcript NM_001242896.3 (MANE Select); 5 bases into the intron after coding-DNA position 1217, G replaced by A.
Molecular consequence: intron variant.
Genome position (GRCh38, 1-based): chr22:31,804,920, G>A. VCF-style: chr22-31804920-G-A. GRCh37 (hg19) VCF-style: chr22-32200906-G-A.
Other names: c.1133+5G>A (NM_001369902.1, NM_001369901.1); c.1217+5G>A (NM_001364320.2, NM_001364319.2, NM_001007188.4 and 7 more transcripts).
Identifiers: ClinVar variation 4527577 (VCV004527577.1).